The following is an entry in ClinVar:

NM_000051.4(ATM):c.8278C>T (p.Leu2760Phe)

Genes: ATM (ATM serine/threonine kinase; plus strand), C11orf65 (chromosome 11 open reading frame 65; minus strand). Cytogenetic location: 11q22.3.
Variant type: single nucleotide variant.
Coding change: c.8278C>T on transcript NM_000051.4 (MANE Select); coding-DNA position 8278, C replaced by T.
Protein change: p.Leu2760Phe; replaces leucine 2760 with phenylalanine.
Molecular consequence: missense variant. On other transcripts: intron variant (2).
Genome position (GRCh38, 1-based): chr11:108,343,231, C>T. VCF-style: chr11-108343231-C-T. GRCh37 (hg19) VCF-style: chr11-108213958-C-T.
Other names: c.8278C>T, p.Leu2760Phe (NM_001351834.2); c.641-34160G>A (NM_001330368.2); c.695-7939G>A (NM_001351110.2); short protein forms L2760F.
Identifiers: ClinVar variation 827552 (VCV000827552.14), dbSNP rs758609900, ClinGen allele CA382516299.

ClinVar aggregate classification (germline): Uncertain significance. Review status: criteria provided, multiple submitters, no conflicts (2 of 4 stars). 3 submissions from 3 submitters: Uncertain significance (3). Last evaluated 2025-03-14.

Conditions:
Hereditary cancer-predisposing syndrome. Also called: Tumor predisposition; Neoplastic Syndromes, Hereditary; Hereditary Cancer Syndrome; Hereditary neoplastic syndrome. Identifiers: Orphanet 140162, MedGen C0027672, MeSH D009386, MONDO:0015356.
Ataxia-telangiectasia syndrome (AT). Also called: ATAXIA-TELANGIECTASIA, COMPLEMENTATION GROUP A; ATAXIA-TELANGIECTASIA, FRESNO VARIANT; Ataxia-telangiectasia; Ataxia-telangiectasia, complementation group D; AT, COMPLEMENTATION GROUP C; Ataxia-telangiectasia, complementation group E. Identifiers: Orphanet 100, MedGen C0004135, MONDO:0008840, OMIM 208900.

Allele frequency attached by ClinVar (database versions not stated): TOPMed 0.00001.
gnomAD v4.1: 3 of 1,613,918 alleles (0.00019%); highest among the groups gnomAD compares: Admixed American, 0.0033%; no homozygotes.

Submissions (3):

Labcorp Genetics (formerly Invitae), Labcorp
Classification: Uncertain significance for Ataxia-telangiectasia syndrome. Last evaluated: 2025-03-14. Review status: criteria provided, single submitter. Criteria: Invitae Variant Classification Sherloc (09022015). Collection method: clinical testing. Allele origin: germline.
Comment: This sequence change replaces leucine, which is neutral and non-polar, with phenylalanine, which is neutral and non-polar, at codon 2760 of the ATM protein (p.Leu2760Phe). This variant is present in population databases (no rsID available, gnomAD 0.009%). This variant has not been reported in the literature in individuals affected with ATM-related conditions. ClinVar contains an entry for this variant (Variation ID: 827552). Invitae Evidence Modeling of protein sequence and biophysical properties (such as structural, functional, and spatial information, amino acid conservation, physicochemical variation, residue mobility, and thermodynamic stability) indicates that this missense variant is not expected to disrupt ATM protein function with a negative predictive value of 95%. In summary, the available evidence is currently insufficient to determine the role of this variant in disease. Therefore, it has been classified as a Variant of Uncertain Significance.

Ambry Genetics
Classification: Uncertain significance for Hereditary cancer-predisposing syndrome. Last evaluated: 2025-03-05. Review status: criteria provided, single submitter. Criteria: Ambry Variant Classification Scheme 2023. Collection method: clinical testing. Allele origin: germline.
Comment: The p.L2760F variant (also known as c.8278C>T), located in coding exon 56 of the ATM gene, results from a C to T substitution at nucleotide position 8278. The leucine at codon 2760 is replaced by phenylalanine, an amino acid with highly similar properties. This amino acid position is well conserved in available vertebrate species. In addition, the in silico prediction for this alteration is inconclusive. Based on the available evidence, the clinical significance of this variant remains unclear.

GeneDx
Classification: Uncertain significance. Last evaluated: 2022-06-15. Review status: criteria provided, single submitter. Criteria: GeneDx Variant Classification Process June 2021. Collection method: clinical testing. Allele origin: germline. Affected: yes.
Comment: Not observed at significant frequency in large population cohorts (gnomAD); In silico analysis supports that this missense variant does not alter protein structure/function; Has not been previously published as pathogenic or benign to our knowledge; This variant is associated with the following publications: (PMID: 23532176)

Literature cited by the submitters: PubMed 24405665 (cited by Ambry Genetics).